The following is an entry in ClinVar:

NM_003242.6(TGFBR2):c.1145G>A (p.Ser382Asn)

Gene: TGFBR2 (transforming growth factor beta receptor 2; plus strand). Cytogenetic location: 3p24.1.
Variant type: single nucleotide variant.
Coding change: c.1145G>A on transcript NM_003242.6 (MANE Select); coding-DNA position 1145, G replaced by A.
Protein change: p.Ser382Asn; replaces serine 382 with asparagine.
Molecular consequence: missense variant.
Genome position (GRCh38, 1-based): chr3:30,672,328, G>A. VCF-style: chr3-30672328-G-A. GRCh37 (hg19) VCF-style: chr3-30713820-G-A.
Other names: p.S382N:AGC>AAC; c.1220G>A, p.Ser407Asn (NM_001024847.3); c.1328G>A, p.Ser443Asn (NM_001407126.1); c.1253G>A, p.Ser418Asn (NM_001407127.1); c.1172G>A, p.Ser391Asn (NM_001407128.1); c.1148G>A, p.Ser383Asn (NM_001407129.1); c.1145G>A, p.Ser382Asn (NM_001407130.1); c.1040G>A, p.Ser347Asn (NM_001407132.1, NM_001407133.1, NM_001407134.1 and 2 more transcripts); and 2 more; short protein forms S382N, S407N, S347N, S383N, S443N, S391N, S418N, S262N.
Identifiers: ClinVar variation 213923 (VCV000213923.6), dbSNP rs863223844, ClinGen allele CA322910.

ClinVar aggregate classification (germline): Conflicting classifications of pathogenicity. Review status: criteria provided, conflicting classifications (1 of 4 stars). 2 submissions from 2 submitters: Likely pathogenic (1); Uncertain significance (1). Last evaluated 2022-06-15.

Conditions:
TGFBR2-related disorder. Also called: TGFBR2-related condition.

Submissions (2):

Blueprint Genetics
Classification: Likely pathogenic for TGFBR2-related disorders. Last evaluated: 2022-06-15. Review status: criteria provided, single submitter. Criteria: ACMG Guidelines, 2015. Collection method: clinical testing. Allele origin: germline. Affected: yes. Observed: 1 variant allele.

GeneDx
Classification: Uncertain significance. Last evaluated: 2021-02-22. Review status: criteria provided, single submitter. Criteria: GeneDx Variant Classification Process June 2021. Collection method: clinical testing. Allele origin: germline. Affected: yes.
Comment: Identified in a patient with Loeys-Dietz syndrome (LDS) in the published literature (Frischmeyer-Guerrerio et al., 2013); Not observed in large population cohorts (Lek et al., 2016); In silico analysis supports that this missense variant has a deleterious effect on protein structure/function; This variant is associated with the following publications: (PMID: 23884466)